The following is an entry in ClinVar:

NM_001042492.3(NF1):c.7064G>T (p.Ser2355Ile)

Gene: NF1 (neurofibromin 1; plus strand). Cytogenetic location: 17q11.2.
Variant type: single nucleotide variant.
Coding change: c.7064G>T on transcript NM_001042492.3 (MANE Select); coding-DNA position 7064, G replaced by T.
Protein change: p.Ser2355Ile; replaces serine 2355 with isoleucine.
Molecular consequence: missense variant.
Genome position (GRCh38, 1-based): chr17:31,343,010, G>T. VCF-style: chr17-31343010-G-T. GRCh37 (hg19) VCF-style: chr17-29670028-G-T.
Other names: c.7001G>T, p.Ser2334Ile (NM_000267.4); short protein forms S2334I, S2355I.
Identifiers: ClinVar variation 2574036 (VCV002574036.2), dbSNP rs1555535399, ClinGen allele CA399015503.

ClinVar aggregate classification (germline): Uncertain significance (0 of 4 stars; one submission).

Conditions:
Malignant lymphoma, large B-cell, diffuse. Also called: Diffuse large B cell lymphoma. Identifiers: Orphanet 544, MedGen C0079744, MeSH D016403, MONDO:0018905.

Submission:

Wasik Lab, Fox Chase Cancer Center
Classification: Uncertain significance for Malignant lymphoma, large B-cell, diffuse. Last evaluated: 2023-07-25. Review status: no assertion criteria provided. Collection method: clinical testing. Allele origin: somatic. Inheritance: Somatic mutation. Affected: yes. Observed: 1 heterozygote.
Comment: Despite an initial good clinical response to BTK inhibitor ibrutinib, anti-CD20 antibody rituxan, alkylating agent bendamustine, and hematopoietic stem-cell transplant, the lymphoma relapsed, accompanied by morphologic and molecular evidence of disease progression. The NF1 p.Ser2355Ile variant was not observed in the tumor at initial presentation, but was detected at 50% allele frequency upon recurrence. NF1 is a negative regulator of the RAS signal transduction pathway. Germline NF1 mutations are seen in neurofibromatosis type 1, which is associated with predisposition to a variety of neoplasms. Among lymphoid neoplasms, NF1 mutations are found in 9% of B-acute lymphoblastic leukemia/lymphoma (PMID: 21390130), <5% of chronic lymphocytic leukemia (PMID: 22158541), and <5% of diffuse large B-cell lymphoma (PMID: 23292937).

Literature cited by the submitters: PubMed 21390130; PubMed 22158541; PubMed 23292937.